The following is an entry in ClinVar:

ClinVar aggregate classification (germline): Pathogenic. Review status: criteria provided, single submitter (1 of 4 stars). 2 submissions from 2 submitters: Pathogenic (1). 1 of the submissions does not count toward it. Last evaluated 2024-08-21.

Conditions:
CDKL5 disorder. Identifiers: MedGen CN296942, MONDO:0100039.
Atypical Rett syndrome. Also called: Variant Rett Syndrome; Rett like syndrome. Identifiers: Orphanet 3095, MedGen C2748910, MONDO:0017746.

Submissions (2):

Centre for Population Genomics, CPG
Classification: Pathogenic for CDKL5 disorder. Last evaluated: 2024-08-21. Review status: criteria provided, single submitter. Criteria: McKnight et al. (Hum Mutat. 2022). Collection method: curation. Allele origin: germline. Inheritance: X-linked inheritance.
Comment: This variant has been collected from RettBASE and curated to current modified ACMG/AMP criteria. Based on the classification scheme defined by the ClinGen Rett/Angelman-like Expert Panel for Rett/AS-like Disorders Specifications to the ACMG/AMP Variant Interpretation Guidelines VCEP 3.0, this variant is classified as pathogenic. At least the following criteria are met: Predicted to result in loss of function, and LOF is a known mechanism of disease (PVS1). At least one individual with this variant has been reported with a clinical phenotype consistent with CDKL5- related condition (PP4). PMID:21160487 This variant is absent from gnomAD v4 (PM2_Supporting).

RettBASE
Classification: Pathogenic for Atypical Rett syndrome. Last evaluated: 2014-03-13. Review status: no assertion criteria provided. Collection method: curation. Allele origin: unknown. Affected: yes. Observed: 1 variant allele. Not counted in ClinVar's aggregate classification.

Literature cited by the submitters: PubMed 21160487 (cited by RettBASE).

NM_001323289.2(CDKL5):c.607G>T (p.Glu203Ter)

Gene: CDKL5 (cyclin dependent kinase like 5; plus strand). Cytogenetic location: Xp22.13.
Variant type: single nucleotide variant.
Coding change: c.607G>T on transcript NM_001323289.2 (MANE Select); coding-DNA position 607, G replaced by T.
Protein change: p.Glu203Ter; replaces glutamic acid 203 with a stop codon.
Molecular consequence: nonsense.
Genome position (GRCh38, 1-based): chrX:18,588,006, G>T. VCF-style: chrX-18588006-G-T. GRCh37 (hg19) VCF-style: chrX-18606126-G-T.
Other names: NM_001323289.2(CDKL5):c.607G>T; p.Glu203Ter; c.607G>T, p.Glu203Ter (NM_001037343.2, NM_003159.3); short protein forms E203*.
Identifiers: ClinVar variation 143829 (VCV000143829.4), dbSNP rs267608505, ClinGen allele CA170498.